The following is an entry in ClinVar:

ClinVar aggregate classification (germline): Uncertain significance (1 of 4 stars; one submission).

Conditions:
Growth hormone insensitivity with immune dysregulation 1, autosomal recessive. Also called: GROWTH HORMONE INSENSITIVITY SYNDROME WITH IMMUNE DYSREGULATION 1, AUTOSOMAL RECESSIVE; GROWTH HORMONE INSENSITIVITY DUE TO POSTRECEPTOR DEFECT; LARON SYNDROME DUE TO POSTRECEPTOR DEFECT; Laron syndrome with immunodeficiency. Identifiers: Orphanet 220465, MedGen C5435698, MONDO:0100211, OMIM 245590.

Submission:

Labcorp Genetics (formerly Invitae), Labcorp
Classification: Uncertain significance for Growth hormone insensitivity with immune dysregulation 1, autosomal recessive. Last evaluated: 2025-12-10. Review status: criteria provided, single submitter. Criteria: Invitae Variant Classification Sherloc (09022015). Collection method: clinical testing. Allele origin: germline.
Comment: This sequence change replaces glutamine, which is neutral and polar, with leucine, which is neutral and non-polar, at codon 117 of the STAT5B protein (p.Gln117Leu). This variant is not present in population databases (gnomAD no frequency). This variant has not been reported in the literature in individuals affected with STAT5B-related conditions. Invitae Evidence Modeling of protein sequence and biophysical properties (such as structural, functional, and spatial information, amino acid conservation, physicochemical variation, residue mobility, and thermodynamic stability) indicates that this missense variant is not expected to disrupt STAT5B protein function with a negative predictive value of 80%. In summary, the available evidence is currently insufficient to determine the role of this variant in disease. Therefore, it has been classified as a Variant of Uncertain Significance.

NM_012448.4(STAT5B):c.350A>T (p.Gln117Leu)

Gene: STAT5B (signal transducer and activator of transcription 5B; minus strand). Cytogenetic location: 17q21.2.
Variant type: single nucleotide variant.
Coding change: c.350A>T on transcript NM_012448.4 (MANE Select); coding-DNA position 350, A replaced by T.
Protein change: p.Gln117Leu; replaces glutamine 117 with leucine.
Molecular consequence: missense variant.
Genome position (GRCh38, 1-based): chr17:42,224,804, T>A on the plus strand (A>T on the coding strand, the complement: STAT5B is on the minus strand). VCF-style: chr17-42224804-T-A. GRCh37 (hg19) VCF-style: chr17-40376822-T-A.
Other names: short protein forms Q117L.
Identifiers: ClinVar variation 4782125 (VCV004782125.1).
Genomic context (GRCh38, chr17:42,224,804, plus strand): 5'-CCCGACTGCCCTCCCCATCCCTATGGGACACTCACATTGTTGGCTTCTCGGACCAACCTC[T>A]GTTCATTGTACAATATATGGCGGATGCAGCGGACCAGCTCCATGGGGCAGCGGTCATACG-3'
Protein context (NP_036580.2, residues 107-127): RCIRHILYNE[Gln117Leu]RLVREANNGS